The following is an entry in ClinVar:

NM_001110556.2(FLNA):c.3717C>T (p.Pro1239=)

Gene: FLNA (filamin A; minus strand). Cytogenetic location: Xq28.
Variant type: single nucleotide variant.
Coding change: c.3717C>T on transcript NM_001110556.2 (MANE Select); coding-DNA position 3717, C replaced by T.
Protein change: p.Pro1239=; no amino-acid change (proline 1239 retained).
Molecular consequence: synonymous variant.
Genome position (GRCh38, 1-based): chrX:154,360,078, G>A on the plus strand (C>T on the coding strand, the complement: FLNA is on the minus strand). VCF-style: chrX-154360078-G-A. GRCh37 (hg19) VCF-style: chrX-153588446-G-A.
Other names: c.3717C>T, p.Pro1239= (NM_001456.4); c.3717C>T (NM_001110556.1).
Identifiers: ClinVar variation 211015 (VCV000211015.41), dbSNP rs372265042, ClinGen allele CA207260.

ClinVar aggregate classification (germline): Conflicting classifications of pathogenicity. Review status: criteria provided, conflicting classifications (1 of 4 stars). 9 submissions from 9 submitters: Uncertain significance (1); Benign (3); Likely benign (4). 1 of the submissions does not count toward it. Last evaluated 2026-02-02.

Conditions:
Melnick-Needles syndrome (MNS). Also called: MELNICK-NEEDLES OSTEODYSPLASTY; Melnick-Needles Syndrome (FLNA-MNS); OSTEODYSPLASTY OF MELNICK AND NEEDLES. Identifiers: Orphanet 2484, MedGen C0025237, MONDO:0010650, OMIM 309350.
Heterotopia, periventricular, X-linked dominant (PVNH1). Also called: PERIVENTRICULAR NODULAR HETEROTOPIA 4; HETEROTOPIA, PERIVENTRICULAR, 1; X-linked periventricular heterotopia; PERIVENTRICULAR NODULAR HETEROTOPIA 1. Identifiers: Orphanet 2149, Orphanet 82004, MedGen C1848213, MONDO:0010233, OMIM 300049.
Oto-palato-digital syndrome, type II (OPD2). Also called: FACIOPALATOOSSEOUS SYNDROME; Otopalatodigital Syndrome, Type II; Otopalatodigital Syndrome Type 2 (FLNA-OPD2); OPD II SYNDROME. Identifiers: Orphanet 669, Orphanet 90652, MedGen C1844696, MONDO:0010571, OMIM 304120.
Frontometaphyseal dysplasia (FMD1). Identifiers: Orphanet 1826, MedGen C0265293, MONDO:0015942.
FLNA-related disorder.
Familial thoracic aortic aneurysm and aortic dissection (TAAD). Also called: Thoracic aortic aneurysms and dissections. Identifiers: Orphanet 91387, MedGen C4707243, MONDO:0019625.

Allele frequency attached by ClinVar (database versions not stated): ExAC 0.00026; gnomAD exomes 0.00029; TOPMed 0.00032; ESP Exome Variant Server 0.00040; gnomAD 0.00041 and 0.00046.

Submissions (9):

Labcorp Genetics (formerly Invitae), Labcorp
Classification: Benign for Oto-palato-digital syndrome, type II; Heterotopia, periventricular, X-linked dominant; Frontometaphyseal dysplasia; Melnick-Needles syndrome. Last evaluated: 2026-02-02. Review status: criteria provided, single submitter. Criteria: Invitae Variant Classification Sherloc (09022015). Collection method: clinical testing. Allele origin: germline.

Blueprint Genetics
Classification: Likely benign. Last evaluated: 2024-10-16. Review status: criteria provided, single submitter. Criteria: ACMG Guidelines, 2015. Collection method: clinical testing. Allele origin: germline.

CeGaT Center for Human Genetics Tuebingen
Classification: Likely benign. Last evaluated: 2024-10-01. Review status: criteria provided, single submitter. Criteria: CeGaT Center For Human Genetics Tuebingen Variant Classification Criteria Version 2. Collection method: clinical testing. Allele origin: germline. Affected: yes. Observed: 1 variant allele.
Comment: FLNA: BP4, BP7, BS2

Women's Health and Genetics/Laboratory Corporation of America, LabCorp
Classification: Benign. Last evaluated: 2023-07-21. Review status: criteria provided, single submitter. Criteria: LabCorp Variant Classification Summary - May 2015. Collection method: clinical testing. Allele origin: germline.

ARUP Laboratories, Molecular Genetics and Genomics, ARUP Laboratories
Classification: Likely benign. Last evaluated: 2023-01-05. Review status: criteria provided, single submitter. Criteria: ARUP Molecular Germline Variant Investigation Process 2024. Collection method: clinical testing. Allele origin: germline.

GeneDx
Classification: Likely benign. Last evaluated: 2021-10-25. Review status: criteria provided, single submitter. Criteria: GeneDx Variant Classification Process June 2021. Collection method: clinical testing. Allele origin: germline. Affected: yes.

Ambry Genetics
Classification: Benign for Familial thoracic aortic aneurysm and aortic dissection. Last evaluated: 2017-09-29. Review status: criteria provided, single submitter. Criteria: Ambry Variant Classification Scheme 2023. Collection method: clinical testing. Allele origin: germline.

Genetic Services Laboratory, University of Chicago
Classification: Uncertain significance. Last evaluated: 2014-09-17. Review status: criteria provided, single submitter. Criteria: ACMG Guidelines, 2015. Collection method: clinical testing. Allele origin: germline.

PreventionGenetics, part of Exact Sciences
Classification: Likely benign for FLNA-related condition. Last evaluated: 2020-11-16. Review status: no assertion criteria provided. Collection method: clinical testing. Allele origin: germline. Not counted in ClinVar's aggregate classification.
Comment: This variant is classified as likely benign based on ACMG/AMP sequence variant interpretation guidelines (Richards et al. 2015 PMID: 25741868, with internal and published modifications).